The following is an entry in ClinVar:

ClinVar aggregate classification (germline): Pathogenic. Review status: reviewed by expert panel (3 of 4 stars). 20 submissions from 20 submitters: Pathogenic (1). 19 of the submissions do not count toward it. Last evaluated 2019-06-18.

Conditions:
Inherited breast cancer and ovarian cancer.
Breast and/or ovarian cancer. Identifiers: MedGen CN221562.
Hereditary cancer-predisposing syndrome. Also called: Hereditary neoplastic syndrome; Neoplastic Syndromes, Hereditary; Hereditary Cancer Syndrome; Tumor predisposition. Identifiers: Orphanet 140162, MedGen C0027672, MeSH D009386, MONDO:0015356.
Hereditary breast ovarian cancer syndrome. Also called: Breast and ovarian cancer; Hereditary breast and ovarian cancer syndrome; BRCA1- and BRCA2-Associated Hereditary Breast and Ovarian Cancer; Hereditary breast and ovarian cancer syndrome (HBOC); Hereditary breast and/or ovarian cancer syndrome; Hereditary breast and ovarian cancer. Identifiers: Orphanet 145, MedGen C0677776, MeSH D061325, MONDO:0003582. Disease mechanism: loss of function.
Malignant tumor of breast. Also called: Malignant breast neoplasm; Cancer breast. Identifiers: MedGen C0006142, MONDO:0007254. Disease mechanism: loss of function.
Breast carcinoma. Also called: Carcinoma of breast. Identifiers: MedGen C0678222, MONDO:0004989, HP:0003002.
Breast-ovarian cancer, familial, susceptibility to, 1 (BROVCA1). Also called: BRCA1 Hereditary Breast and Ovarian Cancer; OVARIAN CANCER, SUSCEPTIBILITY TO. Identifiers: Orphanet 145, MedGen C2676676, MONDO:0011450, OMIM 604370. Disease mechanism: loss of function.

Allele frequency attached by ClinVar (database versions not stated): ExAC 0.00001; gnomAD exomes below 0.00001.

Submissions 1 to 8 of 22:

Evidence-based Network for the Interpretation of Germline Mutant Alleles (ENIGMA)
Classification: Pathogenic for Breast-ovarian cancer, familial, susceptibility to, 1. Last evaluated: 2019-06-18. Review status: reviewed by expert panel. Criteria: ENIGMA BRCA1/2 Classification Criteria (2017-06-29). Collection method: curation. Allele origin: germline.
Comment: IARC class based on posterior probability from multifactorial likelihood analysis, thresholds for class as per Plon et al. 2008 (PMID: 18951446). Class 5 based on posterior probability = 0.999999

GeneDx
Classification: Pathogenic. Last evaluated: 2026-09-30. Review status: criteria provided, single submitter. Criteria: GeneDx Variant Classification Process June 2021. Collection method: clinical testing. Allele origin: germline. Not counted in ClinVar's aggregate classification.
Comment: RNA studies demonstrate a damaging effect: results in aberrant splicing leading to a 65bp insertion and predicted null allele (PMID: 16619214); Published functional studies demonstrate a damaging effect: variant classified as non-functional based on a saturation genome editing (SGE) assay measuring cell survival (PMID: 30209399); In silico analysis supports a deleterious effect on splicing; Not observed at significant frequency in large population cohorts (gnomAD); Also known as 5105+6 T>G and IVS16+6 T>G; This variant is associated with the following publications: (PMID: 11179017, 22160602, 24667779, 21324516, 21913181, 23348723, 31131967, 32719484, 30426508, 34645131, 31360904, 16619214, 30209399)

Labcorp Genetics (formerly Invitae), Labcorp
Classification: Pathogenic for Hereditary breast ovarian cancer syndrome. Last evaluated: 2026-01-13. Review status: criteria provided, single submitter. Criteria: Invitae Variant Classification Sherloc (09022015). Collection method: clinical testing. Allele origin: germline. Not counted in ClinVar's aggregate classification.
Comment: This sequence change falls in intron 15 of the BRCA1 gene. It does not directly change the encoded amino acid sequence of the BRCA1 protein. RNA analysis indicates that this variant induces altered splicing and may result in an absent or altered protein product. This variant is present in population databases (rs80358086, gnomAD 0.0009%). This variant has been observed in individual(s) with breast and/or ovarian cancer (PMID: 11179017, 16619214, 21913181, 22160602). ClinVar contains an entry for this variant (Variation ID: 55344). Variants that disrupt the consensus splice site are a relatively common cause of aberrant splicing (PMID: 17576681, 9536098). Studies have shown that this variant alters mRNA splicing and is expected to lead to the loss of protein expression (PMID: 16619214, 24667779, 30209399; internal data). This variant disrupts the c.4986+6T nucleotide in the BRCA1 gene. Other variant(s) that disrupt this nucleotide have been determined to be pathogenic (PMID: 10406662, 21120943, 21324516, 21965345, 24729269). This suggests that this nucleotide is clinically significant, and that variants that disrupt this position are likely to be disease-causing. For these reasons, this variant has been classified as Pathogenic.

Genetics Laboratory, Great Ormond Street Hospital NHS Foundation Trust, North Thames Genomic Laboratory Hub
Classification: Pathogenic for Inherited breast cancer and ovarian cancer. Last evaluated: 2025-08-21. Review status: criteria provided, single submitter. Criteria: CanVIG BRCA Gene Specific V1.22. Collection method: clinical testing. Allele origin: germline. Affected: yes. Not counted in ClinVar's aggregate classification.
Comment: PS4_moderate, PM2_moderate, PVS1_strong, PS3_strong, PP4_strong

Molecular Pathology, Peter Maccallum Cancer Centre
Classification: Pathogenic for Breast-ovarian cancer, familial, susceptibility to, 1. Last evaluated: 2025-05-22. Review status: criteria provided, single submitter. Criteria: ACMG Guidelines, 2015. Collection method: clinical testing. Allele origin: germline. Inheritance: Autosomal dominant inheritance. Not counted in ClinVar's aggregate classification.

Ambry Genetics
Classification: Pathogenic for Hereditary cancer-predisposing syndrome. Last evaluated: 2023-10-10. Review status: criteria provided, single submitter. Criteria: Ambry Variant Classification Scheme 2023. Collection method: clinical testing. Allele origin: germline. Not counted in ClinVar's aggregate classification.
Comment: The c.4986+6T>G intronic pathogenic mutation variant results from a T to G substitution 6 nucleotides after coding exon 14 in the BRCA1 gene. This alteration has been reported in multiple families with hereditary breast and/or ovarian cancer (Risch HA et al. Am. J. Hum. Genet. 2001 Mar;68:700-10; Schneegans SM et al. Fam. Cancer. 2012 Jun;11:181-8; Schubert S et al. Int. J. Cancer 2019 Jun;144(11):2683-2694; Rebbeck TR et al. Hum. Mutat. 2018 05;39(5):593-620). RNA splicing analyses have shown this alteration to result in aberrant splicing that results in the insertion of 65 nucleotides and results in nonsense-mediated mRNA decay (Ambry internal data; Chen X et al. Hum. Mutat. 2006 May;27:427-35; Steffensen AY et al. Eur. J. Hum. Genet. 2014 Dec;22:1362-8). Another functional study found that this nucleotide substitution is deleterious in a high throughput genome editing haploid cell survival assay (Findlay GM et al. Nature 2018 10;562(7726):217-222). In addition, this alteration was also classified as Pathogenic in a multifactorial model of variant interpretation that incorporates co-segregation, family history, co-occurrence and tumor pathology and case-control data (Parsons MT et al. Hum Mutat. 2019 Sep;40(9):1557-1578). Of note, this alteration is also referred to as 5105+6T>G and IVS16+6T>G in the published literature. Based on the supporting evidence, this alteration is interpreted as a disease-causing mutation.

Baylor Genetics
Classification: Pathogenic for Breast-ovarian cancer, familial, susceptibility to, 1. Last evaluated: 2023-09-13. Review status: criteria provided, single submitter. Criteria: ACMG Guidelines, 2015. Collection method: clinical testing. Allele origin: unknown. Not counted in ClinVar's aggregate classification.

All of Us Research Program, National Institutes of Health
Classification: Pathogenic for Breast-ovarian cancer, familial, susceptibility to, 1. Last evaluated: 2023-08-28. Review status: criteria provided, single submitter. Criteria: ACMG Guidelines, 2015. Collection method: clinical testing. Allele origin: germline. Inheritance: Autosomal dominant inheritance. Observed: 1 variant allele, 1 heterozygote. Not counted in ClinVar's aggregate classification.
Comment: This variant causes a T>G nucleotide substitution at the +6 position of intron 15 of the BRCA1 gene. This variant is also known as 5105+6T>G and IVS16+6T>G in the literature. RNA studies on carrier-derived RNA (PMID: 16619214) and in a mini-gene splicing assay (PMID: 24667779) have found this variant to disrupt splicing in a manner that is expected to result in an absent or non-functional protein product. This variant has been reported to be loss-of-function in a haploid cell proliferation assay (PMID: 30209399). This variant has been reported in individuals with personal and/or family history of breast and ovarian cancer (PMID: 11179017, 16619214, 21913181, 22160602). This variant also has been reported as pathogenic in a multifactorial analysis based in part to segregation and tumor pathology likelihood ratios of 18.9 and 1134.1, respectively (PMID: 31131967). This variant has been identified in 1/249776 chromosomes in the general population by the Genome Aggregation Database (gnomAD). Loss of BRCA1 function is a known mechanism of disease. Based on the available evidence, this variant is classified as Pathogenic.

This study involves interpretation of variants in research participants for the purpose of population health screening. Participant phenotype was not available at the time of variant classification. Additional details can be found in publication PMID: 35346344, PMCID: PMC8962531

NM_007294.4(BRCA1):c.4986+6T>G

Gene: BRCA1 (BRCA1 DNA repair associated; minus strand). Cytogenetic location: 17q21.31.
Variant type: single nucleotide variant.
Coding change: c.4986+6T>G on transcript NM_007294.4 (MANE Select); 6 bases into the intron after coding-DNA position 4986, T replaced by G.
Molecular consequence: intron variant.
Genome position (GRCh38, 1-based): chr17:43,070,922, A>C on the plus strand (T>G on the coding strand, the complement: BRCA1 is on the minus strand). VCF-style: chr17-43070922-A-C. GRCh37 (hg19) VCF-style: chr17-41222939-A-C.
Other names: IVS16+6T>G; c.1533+6T>G (NM_001408458.1, NM_001408461.1, NM_001408464.1 and 7 more transcripts); c.4095+6T>G (NM_001407967.1); c.4605+6T>G (NM_001407959.1); c.4719+6T>G (NM_001407931.1, NM_001407932.1, NM_001407928.1 and 4 more transcripts); c.4842+6T>G (NM_001407747.1, NM_001407745.1, NM_001407737.1 and 21 more transcripts); c.4602+6T>G (NM_001407962.1, NM_001407960.1); c.1173+6T>G (NM_001408512.1); and 72 more.
Identifiers: ClinVar variation 55344 (VCV000055344.43), dbSNP rs80358086, ClinGen allele CA003128.